The following is an entry in ClinVar:

ClinVar aggregate classification (germline): Likely pathogenic (1 of 4 stars; one submission).

Conditions:
Autosomal recessive ataxia, Beauce type. Also called: SYNE1-Related Autosomal Recessive Cerebellar Ataxia; Spinocerebellar ataxia, autosomal recessive 8; ATAXIA, RECESSIVE, OF BEAUCE; SYNE1 Deficiency. Identifiers: Orphanet 88644, MedGen C1853116, MONDO:0012549, OMIM 610743.
Emery-Dreifuss muscular dystrophy 4, autosomal dominant (EDMD4). Also called: EMERY-DREIFUSS MUSCULAR DYSTROPHY 4 WITH VARIABLE FEATURES. Identifiers: Orphanet 261, MedGen C2751807, MONDO:0013071, OMIM 612998.

Submission:

Labcorp Genetics (formerly Invitae), Labcorp
Classification: Likely pathogenic for Emery-Dreifuss muscular dystrophy 4, autosomal dominant; Autosomal recessive ataxia, Beauce type. Last evaluated: 2025-04-29. Review status: criteria provided, single submitter. Criteria: Invitae Variant Classification Sherloc (09022015). Collection method: clinical testing. Allele origin: germline.
Comment: This sequence change affects an acceptor splice site in intron 113 of the SYNE1 gene. It is expected to disrupt RNA splicing. Variants that disrupt the donor or acceptor splice site typically lead to a loss of protein function (PMID: 16199547), and loss-of-function variants in SYNE1 are known to be pathogenic (PMID: 19542096, 24319099, 27086870). This variant is not present in population databases (gnomAD no frequency). This variant has not been reported in the literature in individuals affected with SYNE1-related conditions. Algorithms developed to predict the effect of sequence changes on RNA splicing suggest that this variant may disrupt the consensus splice site. In summary, the currently available evidence indicates that the variant is pathogenic, but additional data are needed to prove that conclusively. Therefore, this variant has been classified as Likely Pathogenic.

Literature cited by the submitters: PubMed 16199547; PubMed 19542096; PubMed 24319099; PubMed 27086870.

NM_182961.4(SYNE1):c.21040-2A>G

Gene: SYNE1 (spectrin repeat containing nuclear envelope protein 1; minus strand). Cytogenetic location: 6q25.2.
Variant type: single nucleotide variant.
Coding change: c.21040-2A>G on transcript NM_182961.4 (MANE Select); the canonical splice acceptor site of the intron before coding-DNA position 21040, A replaced by G.
Molecular consequence: splice acceptor variant.
Genome position (GRCh38, 1-based): chr6:152,230,704, T>C on the plus strand (A>G on the coding strand, the complement: SYNE1 is on the minus strand). VCF-style: chr6-152230704-T-C. GRCh37 (hg19) VCF-style: chr6-152551839-T-C.
Other names: c.20827-2A>G (NM_033071.5).
Identifiers: ClinVar variation 4789987 (VCV004789987.1).